The following is an entry in ClinVar:

NM_006516.4(SLC2A1):c.734A>G (p.Lys245Arg)

Gene: SLC2A1 (solute carrier family 2 member 1; minus strand). Cytogenetic location: 1p34.2.
Variant type: single nucleotide variant.
Coding change: c.734A>G on transcript NM_006516.4 (MANE Select); coding-DNA position 734, A replaced by G.
Protein change: p.Lys245Arg; replaces lysine 245 with arginine.
Molecular consequence: missense variant.
Genome position (GRCh38, 1-based): chr1:42,929,726, T>C on the plus strand (A>G on the coding strand, the complement: SLC2A1 is on the minus strand). VCF-style: chr1-42929726-T-C. GRCh37 (hg19) VCF-style: chr1-43395397-T-C.
Other names: short protein forms K245R.
Identifiers: ClinVar variation 1058841 (VCV001058841.9), dbSNP rs773788706, ClinGen allele CA803460.

ClinVar aggregate classification (germline): Uncertain significance (1 of 4 stars; one submission).

Conditions:
GLUT1 deficiency syndrome 1, autosomal recessive. Identifiers: MedGen C3149117.

Allele frequency attached by ClinVar (database versions not stated): gnomAD exomes below 0.00001; ExAC 0.00001; gnomAD 0.00001.
gnomAD v4.1: 2 of 1,614,014 alleles (0.00012%); highest among the groups gnomAD compares: African/African-American, 0.0013%; no homozygotes.

Submission:

Labcorp Genetics (formerly Invitae), Labcorp
Classification: Uncertain significance for GLUT1 deficiency syndrome 1, autosomal recessive. Last evaluated: 2025-10-24. Review status: criteria provided, single submitter. Criteria: Invitae Variant Classification Sherloc (09022015). Collection method: clinical testing. Allele origin: germline.
Comment: This sequence change replaces lysine, which is basic and polar, with arginine, which is basic and polar, at codon 245 of the SLC2A1 protein (p.Lys245Arg). This variant is present in population databases (rs773788706, gnomAD 0.003%). This variant has not been reported in the literature in individuals affected with SLC2A1-related conditions. ClinVar contains an entry for this variant (Variation ID: 1058841). Invitae Evidence Modeling of protein sequence and biophysical properties (such as structural, functional, and spatial information, amino acid conservation, physicochemical variation, residue mobility, and thermodynamic stability) has been performed for this missense variant. However, the output from this modeling did not meet the statistical confidence thresholds required to predict the impact of this variant on SLC2A1 protein function. In summary, the available evidence is currently insufficient to determine the role of this variant in disease. Therefore, it has been classified as a Variant of Uncertain Significance.